The following is an entry in ClinVar:

ClinVar aggregate classification (germline): Uncertain significance (1 of 4 stars; one submission).

Conditions:
Muscular dystrophy-dystroglycanopathy (congenital with brain and eye anomalies), type A1 (MDDGA1). Also called: Muscular dystrophy-dystroglycanopathy (congenital with brain and eye anomalies), type A, 1; COD-MD SYNDROME; Hydrocephalus, agyria and retinal dysplasia; Hard +/- E syndrome; Warburg syndrome; Chemke syndrome. Identifiers: Orphanet 588, Orphanet 899, MedGen C4284790, MONDO:0009364, OMIM 236670.

Submission:

Igenomix - Part of Vitrolife Group, Igenomix
Classification: Uncertain significance for Muscular dystrophy-dystroglycanopathy (congenital with brain and eye anomalies), type A1. Review status: criteria provided, single submitter. Criteria: ACMG Guidelines, 2015. Collection method: clinical testing. Allele origin: germline. Inheritance: Autosomal recessive inheritance. Affected: no.
Comment: The POMT1 variant (NM_001077365.2:c.2001C>G, p.Cys667Trp) replaces the amino acid Cysteine with Trypotophan. The in silico tools predict a moderately deleterious affect of the variant on the protein. This variant is absent in the gnomAD v4.1.0 (PM2). This variant has not been reported in the literature in individuals affected with POMT1-related conditions. Based on the evidence outlined above, the variant was classified as variant of uncertain significance (PM2, PP3). The variant was identified in the heterozygous state through carrier screening.

NM_001077365.2(POMT1):c.2001C>G (p.Cys667Trp)

Gene: POMT1 (protein O-mannosyltransferase 1; plus strand). Cytogenetic location: 9q34.13.
Variant type: single nucleotide variant.
Coding change: c.2001C>G on transcript NM_001077365.2 (MANE Select); coding-DNA position 2001, C replaced by G.
Protein change: p.Cys667Trp; replaces cysteine 667 with tryptophan.
Molecular consequence: missense variant. On other transcripts: non-coding transcript variant (10).
Genome position (GRCh38, 1-based): chr9:131,522,222, C>G. VCF-style: chr9-131522222-C-G. GRCh37 (hg19) VCF-style: chr9-134397609-C-G.
Other names: c.1839C>G, p.Cys613Trp (NM_001077366.2, NM_001353194.2); c.2001C>G, p.Cys667Trp (NM_001136113.2); c.1650C>G, p.Cys550Trp (NM_001136114.2, NM_001353195.2, NM_001374691.1 and 2 more transcripts); c.2067C>G, p.Cys689Trp (NM_001353193.2, NM_007171.4); c.1911C>G, p.Cys637Trp (NM_001353196.2); c.1905C>G, p.Cys635Trp (NM_001353197.2, NM_001353198.2); c.1716C>G, p.Cys572Trp (NM_001353199.2); c.1545C>G, p.Cys515Trp (NM_001353200.2); and 4 more; short protein forms C290W, C515W, C537W, C550W, C572W, C594W, C613W, C635W.
Identifiers: ClinVar variation 3336664 (VCV003336664.1).
Genomic context (GRCh38, chr9:131,522,222, plus strand): 5'-ACTCACCTTCCAAATCCTTCTGCTCCCTGTGGTCCTGCAGCACATCAGCGACCACCTGTG[C>G]AGGTACGGGGGCTGCGGAGACAGTGGCTGGACCGGGCAGCAGCCCTCTGCTGGGAAGCCC-3'
Protein context (NP_001070833.1, residues 657-677): VVLQHISDHL[Cys667Trp]RSQLQRSIFS